The following is an entry in ClinVar:

NM_015662.3(IFT172):c.4701C>A (p.His1567Gln)

Genes: IFT172 (intraflagellar transport 172; minus strand), KRTCAP3 (keratinocyte associated protein 3; plus strand). Cytogenetic location: 2p23.3.
Variant type: single nucleotide variant.
Coding change: c.4701C>A on transcript NM_015662.3 (MANE Select); coding-DNA position 4701, C replaced by A.
Protein change: p.His1567Gln; replaces histidine 1567 with glutamine.
Molecular consequence: missense variant. On other transcripts: 3 prime UTR variant (1).
Genome position (GRCh38, 1-based): chr2:27,446,314, G>T on the plus strand (C>A on the coding strand, the complement: IFT172 is on the minus strand). VCF-style: chr2-27446314-G-T. GRCh37 (hg19) VCF-style: chr2-27669181-G-T.
Other names: c.*19G>T (NM_001168364.2); c.4635C>A, p.His1545Gln (NM_001410739.1); c.4701C>A (NM_015662.2); short protein forms H1567Q, H1545Q.
Identifiers: ClinVar variation 191366 (VCV000191366.11), dbSNP rs786205855, ClinGen allele CA199770.

ClinVar aggregate classification (germline): Pathogenic/Likely pathogenic. Review status: criteria provided, multiple submitters, no conflicts (2 of 4 stars). 5 submissions from 5 submitters: Pathogenic (1); Likely pathogenic (3). 1 of the submissions does not count toward it. Last evaluated 2026-07-14.

Conditions:
Retinitis pigmentosa 71 (RP71). Identifiers: Orphanet 791, MedGen C4225342, MONDO:0014618, OMIM 616394.
Short-rib thoracic dysplasia 10 with or without polydactyly (SRTD10). Identifiers: Orphanet 474, MedGen C3810175, MONDO:0014284, OMIM 615630.
IFT172-related disorder. Also called: IFT172-related condition; IFT172-related disorders.
Bardet-Biedl syndrome 20. Identifiers: MedGen C4310707, MONDO:0023670, OMIM 619471, MONDO:0014926.

gnomAD v4.1: 11 of 1,614,244 alleles (0.00068%); highest among the groups gnomAD compares: Non-Finnish European, 0.00093%; no homozygotes.

Submissions (5):

PreventionGenetics, part of Exact Sciences
Classification: Likely pathogenic for IFT172-related condition. Last evaluated: 2026-07-14. Review status: criteria provided, single submitter. Criteria: ACMG Guidelines, 2015. Collection method: clinical testing. Allele origin: germline.
Comment: The IFT172 c.4701C>A variant is predicted to result in the amino acid substitution p.His1567Gln. This variant was reported in the compound heterozygous state with a pathogenic IFT172 variant in two siblings with Bardet-Biedl syndrome (Bujakowska et al. 2015. PubMed ID: 25168386). In an in vitro functional study, the p.His1567Gln substitution was reported to reduce cilia length relative to control (Bujakowska et al. 2015. PubMed ID: 25168386). This variant has not been reported in a large population database (gnomAD), indicating this variant is rare. This variant is interpreted as likely pathogenic.

3billion
Classification: Likely pathogenic for IFT172-related disorder. Last evaluated: 2024-11-18. Review status: criteria provided, single submitter. Criteria: ACMG Guidelines, 2015. Collection method: clinical testing. Allele origin: germline. Affected: yes.
Comment: The variant is observed at an extremely low frequency in the gnomAD v4.1.0 dataset (total allele frequency: <0.001%). Predicted Consequence/Location: Missense variant. The majority of the known disease-causing variants of this gene are variants expected to result in premature termination of the protein. Functional studies provide moderate evidence of the variant having a damaging effect on the gene or gene product (PMID: 25168386). In silico tool predictions suggest damaging effect of the variant on gene or gene product [REVEL: 0.75 (>=0.6, sensitivity 0.68 and specificity 0.92); 3Cnet: 0.50 (>=0.6, sensitivity 0.72 and precision 0.9)]. The same nucleotide change resulting in the same amino acid change has been previously reported to be associated with IFT172-related disorder (ClinVar ID: VCV000191366 /PMID: 25168386). Therefore, this variant is classified as Likely pathogenic according to the recommendation of ACMG/AMP guideline.

Labcorp Genetics (formerly Invitae), Labcorp
Classification: Pathogenic for Retinitis pigmentosa 71; Short-rib thoracic dysplasia 10 with or without polydactyly. Last evaluated: 2023-06-04. Review status: criteria provided, single submitter. Criteria: Invitae Variant Classification Sherloc (09022015). Collection method: clinical testing. Allele origin: germline.
Comment: For these reasons, this variant has been classified as Pathogenic. Experimental studies have shown that this missense change affects IFT172 function (PMID: 25168386). Advanced modeling of protein sequence and biophysical properties (such as structural, functional, and spatial information, amino acid conservation, physicochemical variation, residue mobility, and thermodynamic stability) performed at Invitae indicates that this missense variant is expected to disrupt IFT172 protein function. ClinVar contains an entry for this variant (Variation ID: 191366). This missense change has been observed in individual(s) with Bardet-Biedl syndrome (PMID: 25168386). In at least one individual the data is consistent with being in trans (on the opposite chromosome) from a pathogenic variant. It has also been observed to segregate with disease in related individuals. This variant is not present in population databases (gnomAD no frequency). This sequence change replaces histidine, which is basic and polar, with glutamine, which is neutral and polar, at codon 1567 of the IFT172 protein (p.His1567Gln).

Blueprint Genetics
Classification: Likely pathogenic for IFT172-related disorders. Last evaluated: 2021-10-19. Review status: criteria provided, single submitter. Criteria: ACMG Guidelines, 2015. Collection method: clinical testing. Allele origin: germline. Affected: yes. Observed: 1 variant allele.

OMIM
Classification: Pathogenic for BARDET-BIEDL SYNDROME 20. Last evaluated: 2015-01-01. Review status: no assertion criteria provided. Collection method: literature only. Allele origin: germline. Not counted in ClinVar's aggregate classification.

Literature cited by the submitters: PubMed 25168386 (cited by 3 submitters).